The following is an entry in ClinVar:

ClinVar aggregate classification (germline): Conflicting classifications of pathogenicity. Review status: criteria provided, conflicting classifications (1 of 4 stars). 5 submissions from 5 submitters: Likely pathogenic (4); Uncertain significance (1). Last evaluated 2026-01-12.

Conditions:
Dyskeratosis congenita. Identifiers: Orphanet 1775, MedGen C0265965, MONDO:0015780.
Cerebroretinal microangiopathy with calcifications and cysts 1 (CRMCC1). Identifiers: Orphanet 313838, MedGen C4552029, MONDO:0024564, OMIM 612199.

Allele frequency attached by ClinVar (database versions not stated): gnomAD 0.00001 and 0.00002; gnomAD exomes 0.00001 and 0.00005; TOPMed 0.00001; ExAC 0.00004; 1000 Genomes Project 30x 0.00016; 1000 Genomes Project 0.00020.
gnomAD v4.1: 13 of 1,614,166 alleles (0.00081%); highest among the groups gnomAD compares: East Asian, 0.027%; no homozygotes.

Submissions (5):

Labcorp Genetics (formerly Invitae), Labcorp
Classification: Likely pathogenic for Dyskeratosis congenita. Last evaluated: 2026-01-12. Review status: criteria provided, single submitter. Criteria: Invitae Variant Classification Sherloc (09022015). Collection method: clinical testing. Allele origin: germline.
Comment: This sequence change affects an acceptor splice site in intron 13 of the CTC1 gene. It is expected to disrupt RNA splicing. Variants that disrupt the donor or acceptor splice site typically lead to a loss of protein function (PMID: 16199547), and loss-of-function variants in CTC1 are known to be pathogenic (PMID: 22267198, 22387016). This variant is present in population databases (rs199861310, gnomAD 0.06%). This variant has not been reported in the literature in individuals affected with CTC1-related conditions. ClinVar contains an entry for this variant (Variation ID: 935334). Algorithms developed to predict the effect of sequence changes on RNA splicing suggest that this variant may disrupt the consensus splice site. In summary, the currently available evidence indicates that the variant is pathogenic, but additional data are needed to prove that conclusively. Therefore, this variant has been classified as Likely Pathogenic.

Fulgent Genetics
Classification: Likely pathogenic for Cerebroretinal microangiopathy with calcifications and cysts 1. Last evaluated: 2024-03-05. Review status: criteria provided, single submitter. Criteria: ACMG Guidelines, 2015. Collection method: clinical testing. Allele origin: germline.

Sema4
Classification: Likely pathogenic for Dyskeratosis congenita. Last evaluated: 2021-10-15. Review status: criteria provided, single submitter. Criteria: Sema4 Curation Guidelines. Collection method: curation. Allele origin: germline.
Comment: To the best of our knowledge, the CTC1 c.2386-1G>A variant has not been reported in individuals with CTC1-related diseases. This variant affects a nucleotide within a consensus splice site of the intron 13. This variant may cause exon skipping, intron retention or use of a cryptic splice site, and likely result in an absent or disrupted protein product. This variant was observed in 13/19534 chromosomes in the East Asian population, according to the Genome Aggregation Database (PMID: 32461654). This variant has been reported in ClinVar (Variation ID: 935334). Based on the current evidence available, this variant is interpreted as likely pathogenic.

CENTOGENE GmbH and LLC - Guiding Precision Medicine
Classification: Likely pathogenic for Cerebroretinal microangiopathy with calcifications and cysts 1. Last evaluated: 2021-04-19. Review status: criteria provided, single submitter. Criteria: ACMG Guidelines, 2015. Collection method: clinical testing. Allele origin: germline. Affected: yes.

Juno Genomics, Hangzhou Juno Genomics, Inc
Classification: Uncertain significance for Cerebroretinal microangiopathy with calcifications and cysts 1. Review status: criteria provided, single submitter. Criteria: ACMG Guidelines, 2015. Collection method: clinical testing. Allele origin: germline.
Comment: Null variant in a gene where loss of function (LOF) is a known mechanism of disease.;Absent from controls (or at extremely low frequency if recessive) in Genome Aggregation Database.

Literature cited by the submitters: PubMed 16199547 (cited by Labcorp Genetics (formerly Invitae), Labcorp); PubMed 22267198 (cited by Labcorp Genetics (formerly Invitae), Labcorp); PubMed 22387016 (cited by Labcorp Genetics (formerly Invitae), Labcorp).

NM_025099.6(CTC1):c.2386-1G>A

Gene: CTC1 (CST telomere replication complex component 1; minus strand). Cytogenetic location: 17p13.1.
Variant type: single nucleotide variant.
Coding change: c.2386-1G>A on transcript NM_025099.6 (MANE Select); the canonical splice acceptor site of the intron before coding-DNA position 2386, G replaced by A.
Molecular consequence: splice acceptor variant.
Genome position (GRCh38, 1-based): chr17:8,231,816, C>T on the plus strand (G>A on the coding strand, the complement: CTC1 is on the minus strand). VCF-style: chr17-8231816-C-T. GRCh37 (hg19) VCF-style: chr17-8135134-C-T.
Other names: c.2386-1G>A (NM_001411067.1).
Identifiers: ClinVar variation 935334 (VCV000935334.14), dbSNP rs199861310, ClinGen allele CA8372092.
Genomic context (GRCh38, chr17:8,231,816, plus strand): 5'-CTGTCCCGGGTGCAAGAACTCAAACCAGCGGACTGAAGAGCCAAAGAAAATGAGGTGAAC[C>T]TGGGAGGATGGAGAGCAAAGTGCTGGGATCCTAGCCAGAGGCTCAGGGCGCAGGTCAGGT-3'